The following is an entry in ClinVar:

NM_033380.3(COL4A5):c.2666C>G (p.Ser889Cys)

Gene: COL4A5 (collagen type IV alpha 5 chain; plus strand). Cytogenetic location: Xq22.3.
Variant type: single nucleotide variant.
Coding change: c.2666C>G on transcript NM_033380.3 (MANE Select); coding-DNA position 2666, C replaced by G.
Protein change: p.Ser889Cys; replaces serine 889 with cysteine.
Molecular consequence: missense variant.
Genome position (GRCh38, 1-based): chrX:108,620,415, C>G. VCF-style: chrX-108620415-C-G. GRCh37 (hg19) VCF-style: chrX-107863645-C-G.
Other names: c.2666C>G, p.Ser889Cys (NM_000495.5); short protein forms S889C.
Identifiers: ClinVar variation 2048859 (VCV002048859.1), dbSNP rs745494056, ClinGen allele CA10488957.

ClinVar aggregate classification (germline): Uncertain significance (1 of 4 stars; one submission).

Allele frequency attached by ClinVar (database versions not stated): ExAC 0.00001; gnomAD 0.00002; gnomAD exomes 0.00002; TOPMed 0.00002.
gnomAD v4.1: 19 of 1,206,477 alleles (0.0016%); highest among the groups gnomAD compares: Non-Finnish European, 0.0018%; no homozygotes.

Submission:

Labcorp Genetics (formerly Invitae), Labcorp
Classification: Uncertain significance. Last evaluated: 2022-03-04. Review status: criteria provided, single submitter. Criteria: Invitae Variant Classification Sherloc (09022015). Collection method: clinical testing. Allele origin: germline.
Comment: This sequence change replaces serine, which is neutral and polar, with cysteine, which is neutral and slightly polar, at codon 889 of the COL4A5 protein (p.Ser889Cys). This variant is present in population databases (rs745494056, gnomAD 0.01%). This variant has not been reported in the literature in individuals affected with COL4A5-related conditions. Advanced modeling of protein sequence and biophysical properties (such as structural, functional, and spatial information, amino acid conservation, physicochemical variation, residue mobility, and thermodynamic stability) performed at Invitae indicates that this missense variant is not expected to disrupt COL4A5 protein function. In summary, the available evidence is currently insufficient to determine the role of this variant in disease. Therefore, it has been classified as a Variant of Uncertain Significance.